The following is an entry in ClinVar:

NM_005609.4(PYGM):c.2518G>T (p.Glu840Ter)

Gene: PYGM (glycogen phosphorylase, muscle associated; minus strand). Cytogenetic location: 11q13.1.
Variant type: single nucleotide variant.
Coding change: c.2518G>T on transcript NM_005609.4 (MANE Select); coding-DNA position 2518, G replaced by T.
Protein change: p.Glu840Ter; replaces glutamic acid 840 with a stop codon.
Molecular consequence: nonsense.
Genome position (GRCh38, 1-based): chr11:64,746,670, C>A on the plus strand (G>T on the coding strand, the complement: PYGM is on the minus strand). VCF-style: chr11-64746670-C-A. GRCh37 (hg19) VCF-style: chr11-64514142-C-A.
Other names: c.2254G>T, p.Glu752Ter (NM_001164716.1); short protein forms E752*, E840*.
Identifiers: ClinVar variation 5004276 (VCV005004276.1).

ClinVar aggregate classification (germline): Uncertain significance (1 of 4 stars; one submission).

Conditions:
Glycogen storage disease, type V (GSD5). Also called: McArdle type glycogen storage disease; MCARDLE DISEASE; MUSCLE GLYCOGEN PHOSPHORYLASE DEFICIENCY; MYOPHOSPHORYLASE DEFICIENCY; PYGM DEFICIENCY. Identifiers: Orphanet 368, MedGen C0017924, MONDO:0009293, OMIM 232600.

Submission:

Myriad Genetics, Inc.
Classification: Uncertain significance for Glycogen storage disease, type V. Last evaluated: 2025-11-11. Review status: criteria provided, single submitter. Criteria: Myriad Autosomal Dominant, Autosomal Recessive and X-Linked Classification Criteria (2023). Collection method: clinical testing. Allele origin: unknown.
Comment: NM_005609.2(PYGM):c.2518G>T(E840*) is a nonsense variant classified as a variant of uncertain significance in the context of glycogen storage disease, PYGM-related. E840* has not been observed in cases with relevant disease. Relevant functional assessments of this variant are not available in the literature. E840* has not been observed in referenced population frequency databases. In summary, there is insufficient evidence to classify NM_005609.2(PYGM):c.2518G>T(E840*) as pathogenic or benign. Please note: this variant was assessed in the context of healthy population screening.